The following is an entry in ClinVar:

ClinVar aggregate classification (germline): Uncertain significance. Review status: criteria provided, multiple submitters, no conflicts (2 of 4 stars). 2 submissions from 2 submitters: Uncertain significance (2). Last evaluated 2025-05-19.

Conditions:
Hereditary cancer-predisposing syndrome. Also called: Hereditary neoplastic syndrome; Hereditary Cancer Syndrome; Neoplastic Syndromes, Hereditary; Tumor predisposition. Identifiers: Orphanet 140162, MedGen C0027672, MeSH D009386, MONDO:0015356.
Tuberous sclerosis 2 (TSC2). Identifiers: Orphanet 805, MedGen C1860707, MONDO:0013199, OMIM 613254.

Submissions (2):

Ambry Genetics
Classification: Uncertain significance for Hereditary cancer-predisposing syndrome. Last evaluated: 2025-05-19. Review status: criteria provided, single submitter. Criteria: Ambry Variant Classification Scheme 2023. Collection method: clinical testing. Allele origin: germline.
Comment: The p.K464N variant (also known as c.1392G>C), located in coding exon 13 of the TSC2 gene, results from a G to C substitution at nucleotide position 1392. The lysine at codon 464 is replaced by asparagine, an amino acid with similar properties. This amino acid position is conserved. In addition, the in silico prediction for this alteration is inconclusive. Based on the available evidence, the clinical significance of this variant remains unclear.

Labcorp Genetics (formerly Invitae), Labcorp
Classification: Uncertain significance for Tuberous sclerosis 2. Last evaluated: 2023-10-05. Review status: criteria provided, single submitter. Criteria: Invitae Variant Classification Sherloc (09022015). Collection method: clinical testing. Allele origin: germline.
Comment: This sequence change replaces lysine, which is basic and polar, with asparagine, which is neutral and polar, at codon 464 of the TSC2 protein (p.Lys464Asn). This variant is not present in population databases (gnomAD no frequency). This variant has not been reported in the literature in individuals affected with TSC2-related conditions. Advanced modeling of protein sequence and biophysical properties (such as structural, functional, and spatial information, amino acid conservation, physicochemical variation, residue mobility, and thermodynamic stability) performed at Invitae indicates that this missense variant is not expected to disrupt TSC2 protein function. In summary, the available evidence is currently insufficient to determine the role of this variant in disease. Therefore, it has been classified as a Variant of Uncertain Significance.

NM_000548.5(TSC2):c.1392G>C (p.Lys464Asn)

Gene: TSC2 (TSC complex subunit 2; plus strand). Cytogenetic location: 16p13.3.
Variant type: single nucleotide variant.
Coding change: c.1392G>C on transcript NM_000548.5 (MANE Select); coding-DNA position 1392, G replaced by C.
Protein change: p.Lys464Asn; replaces lysine 464 with asparagine.
Molecular consequence: missense variant. On other transcripts: non-coding transcript variant (5), intron variant (1).
Genome position (GRCh38, 1-based): chr16:2,063,002, G>C. VCF-style: chr16-2063002-G-C. GRCh37 (hg19) VCF-style: chr16-2113003-G-C.
Other names: c.1392G>C, p.Lys464Asn (NM_001406664.1, NM_001406665.1, NM_021055.3 and 6 more transcripts); c.1482G>C, p.Lys494Asn (NM_001406667.1, NM_001406668.1); c.1281G>C, p.Lys427Asn (NM_001406670.1, NM_001406678.1, NM_001318827.2); c.1380G>C, p.Lys460Asn (NM_001406671.1, NM_001406673.1); c.1245G>C, p.Lys415Asn (NM_001406675.1, NM_001406676.1, NM_001406679.1 and 1 more transcripts); c.1335G>C, p.Lys445Asn (NM_001406677.1); c.792G>C, p.Lys264Asn (NM_001406687.1, NM_001406688.1, NM_001406680.1 and 6 more transcripts); c.48G>C, p.Lys16Asn (NM_001406689.1, NM_001406690.1, NM_001406691.1 and 6 more transcripts); and 3 more; short protein forms K16N, K445N, K475N, K415N, K427N, K460N, K264N, K464N.
Identifiers: ClinVar variation 2765852 (VCV002765852.4), dbSNP rs2548553445, ClinGen allele CA394323776.
Genomic context (GRCh38, chr16:2,063,002, plus strand): 5'-CACCCGCCCCAGCAGGCTGCCGTCCCGCAGGAGCGAGTCCCGAGGCGCCGTGCGCATCAA[G>C]GTGCTGGACGTGCTGTCCTTTGTGCTGCTCATCAACAGGCAGTTCTATGAGGTGCGTGTC-3'
Protein context (NP_000539.2, residues 454-474): RSESRGAVRI[Lys464Asn]VLDVLSFVLL